The following is an entry in ClinVar:

NM_001330260.2(SCN8A):c.4282-1G>A

Gene: SCN8A (sodium voltage-gated channel alpha subunit 8; plus strand). Cytogenetic location: 12q13.13.
Variant type: single nucleotide variant.
Coding change: c.4282-1G>A on transcript NM_001330260.2 (MANE Select); the canonical splice acceptor site of the intron before coding-DNA position 4282, G replaced by A.
Molecular consequence: splice acceptor variant.
Genome position (GRCh38, 1-based): chr12:51,789,280, G>A. VCF-style: chr12-51789280-G-A. GRCh37 (hg19) VCF-style: chr12-52183064-G-A.
Other names: c.4159-1G>A (NM_001369788.1, NM_001177984.3); c.4282-1G>A (NM_014191.4).
Identifiers: ClinVar variation 4854991 (VCV004854991.1).

ClinVar aggregate classification (germline): Likely pathogenic (1 of 4 stars; one submission).

Conditions:
Developmental and epileptic encephalopathy, 13 (DEE13). Also called: Early infantile epileptic encephalopathy 13; SCN8A-Related Epilepsy; Developmental and Epileptic Encephalopathy (SCN8A-DEE). Identifiers: Orphanet 442835, MedGen C3281191, MONDO:0013801, OMIM 614558.

Submission:

3billion
Classification: Likely pathogenic for Developmental and epileptic encephalopathy, 13. Last evaluated: 2025-05-12. Review status: criteria provided, single submitter. Criteria: ACMG Guidelines, 2015. Collection method: clinical testing. Allele origin: germline. Affected: yes.
Comment: The variant is not observed in the gnomAD v4.1.0 dataset. Predicted Consequence/Location: Canonical splice site: predicted to alter splicing and result in a loss or disruption of normal protein function. Multiple pathogenic loss-of-function variants are reported downstream of the variant. Therefore, this variant is classified as Likely pathogenic according to the recommendation of ACMG/AMP guideline.